The following is an entry in ClinVar:

NM_007294.4(BRCA1):c.259T>A (p.Leu87Met)

Gene: BRCA1 (BRCA1 DNA repair associated; minus strand). Cytogenetic location: 17q21.31.
Variant type: single nucleotide variant.
Coding change: c.259T>A on transcript NM_007294.4 (MANE Select); coding-DNA position 259, T replaced by A.
Protein change: p.Leu87Met; replaces leucine 87 with methionine.
Molecular consequence: missense variant. On other transcripts: non-coding transcript variant (1).
Genome position (GRCh38, 1-based): chr17:43,104,910, A>T on the plus strand (T>A on the coding strand, the complement: BRCA1 is on the minus strand). VCF-style: chr17-43104910-A-T. GRCh37 (hg19) VCF-style: chr17-41256927-A-T.
Other names: c.49T>A, p.Leu17Met (NM_001407571.1, NM_001407853.1, NM_001407879.1 and 58 more transcripts); c.259T>A, p.Leu87Met (NM_001407581.1, NM_001407582.1, NM_001407583.1 and 168 more transcripts); c.181T>A, p.Leu61Met (NM_001407653.1, NM_001407654.1, NM_001407655.1 and 21 more transcripts); c.118T>A, p.Leu40Met (NM_001407692.1, NM_001407694.1, NM_001407695.1 and 99 more transcripts); c.-123T>A (NM_001407959.1, NM_001407960.1, NM_001407962.1 and 4 more transcripts); c.127T>A, p.Leu43Met (NM_001408451.1); short protein forms L87M, L40M, L17M, L43M, L61M.
Identifiers: ClinVar variation 865610 (VCV000865610.9), dbSNP rs80357091, ClinGen allele CA10601638.

ClinVar aggregate classification (germline): Uncertain significance (1 of 4 stars; one submission).

Conditions:
Hereditary breast ovarian cancer syndrome. Also called: Hereditary breast and/or ovarian cancer syndrome; BRCA1- and BRCA2-Associated Hereditary Breast and Ovarian Cancer; Hereditary breast and ovarian cancer syndrome; Hereditary breast and ovarian cancer; Hereditary breast and ovarian cancer syndrome (HBOC); Breast and ovarian cancer. Identifiers: Orphanet 145, MedGen C0677776, MeSH D061325, MONDO:0003582. Disease mechanism: loss of function.

Submissions (2):

Labcorp Genetics (formerly Invitae), Labcorp
Classification: Uncertain significance for Hereditary breast ovarian cancer syndrome. Last evaluated: 2021-11-01. Review status: criteria provided, single submitter. Criteria: Invitae Variant Classification Sherloc (09022015). Collection method: clinical testing. Allele origin: germline.
Comment: Experimental studies have shown that this missense change does not substantially affect BRCA1 function (PMID: 30209399). In summary, the available evidence is currently insufficient to determine the role of this variant in disease. Therefore, it has been classified as a Variant of Uncertain Significance. This sequence change replaces leucine, which is neutral and non-polar, with methionine, which is neutral and non-polar, at codon 87 of the BRCA1 protein (p.Leu87Met). This variant is not present in population databases (gnomAD no frequency). This variant has not been reported in the literature in individuals affected with BRCA1-related conditions. ClinVar contains an entry for this variant (Variation ID: 865610). Advanced modeling of experimental studies (such as gene expression, population dynamics, functional pathways, and cell-cycle effects in cell culture) performed at Invitae indicates that this missense variant is not expected to disrupt BRCA1 protein function.

Brotman Baty Institute, University of Washington
No classification provided (evidence only). Condition: Breast-ovarian cancer, familial 1. Review status: no classification provided. Collection method: in vitro. Allele origin: not applicable. Functional consequence: functionally_normal. Not counted in ClinVar's aggregate classification.
ClinVar note: "not provided" was previously submitted as the classification for the variant. However, the classification appeared to be based only on an observation of functional data so it was converted to no classification on 2025-07-30.

Literature cited by the submitters: PubMed 30209399 (cited by Labcorp Genetics (formerly Invitae), Labcorp).